The following is an entry in ClinVar:

ClinVar aggregate classification (germline): Pathogenic (1 of 4 stars; one submission).

Conditions:
Neurofibromatosis, type 1 (NF1). Also called: VON RECKLINGHAUSEN DISEASE; NEUROFIBROMATOSIS, TYPE I, SOMATIC; Peripheral type neurofibromatosis; Neurofibromatosis, type I. Identifiers: Orphanet 636, MedGen C0027831, MONDO:0018975, OMIM 162200. Disease mechanism: loss of function.

Submission:

Labcorp Genetics (formerly Invitae), Labcorp
Classification: Pathogenic for Neurofibromatosis, type 1. Last evaluated: 2018-08-26. Review status: criteria provided, single submitter. Criteria: Invitae Variant Classification Sherloc (09022015). Collection method: clinical testing. Allele origin: germline.
Comment: This sequence change creates a premature translational stop signal (p.Asn1154Lysfs*41) in the NF1 gene. It is expected to result in an absent or disrupted protein product. This variant is not present in population databases (ExAC no frequency). This variant has not been reported in the literature in individuals with NF1-related disease. Loss-of-function variants in NF1 are known to be pathogenic (PMID: 10712197, 23913538). For these reasons, this variant has been classified as Pathogenic.

Literature cited by the submitters: PubMed 10712197; PubMed 23913538.

NM_001042492.3(NF1):c.3461dup (p.Asn1154fs)

Gene: NF1 (neurofibromin 1; plus strand). Cytogenetic location: 17q11.2.
Variant type: Duplication.
Coding change: c.3461dup on transcript NM_001042492.3 (MANE Select); coding-DNA position 3461, one base duplicated (A; older notation c.3461dupA).
Protein change: p.Asn1154fs; shifts the reading frame from asparagine 1154.
Molecular consequence: frameshift variant.
Genome position (GRCh38, 1-based): chr17:31,232,846, A duplicated; the last of 2 consecutive A bases (chr17:31,232,845-31,232,846); duplicating either gives the same sequence. VCF-style (leftmost placement, unchanged base first): chr17-31232844-C-CA. GRCh37 (hg19) VCF-style: chr17-29559862-C-CA.
Other names: c.3461dupA (NM_000267.3); c.3461dup, p.Asn1154Lysfs (NM_000267.4); short protein forms N1154fs.
Identifiers: ClinVar variation 653419 (VCV000653419.5), dbSNP rs1597719643, ClinGen allele CA915949896.